The following is an entry in ClinVar:

ClinVar aggregate classification (germline): Uncertain significance (1 of 4 stars; one submission).

Conditions:
VPS13B-related disorder. Also called: VPS13B-related condition.

Submission:

PreventionGenetics, part of Exact Sciences
Classification: Uncertain significance for VPS13B-related condition. Last evaluated: 2026-08-04. Review status: criteria provided, single submitter. Criteria: ACMG Guidelines, 2015. Collection method: clinical testing. Allele origin: germline.
Comment: The VPS13B c.*357843G>C variant is located in the 3' untranslated region. To our knowledge, this variant has not been reported in the literature or in a large population database (gnomAD), indicating this variant is rare. At this time, the clinical significance of this variant is uncertain due to the absence of conclusive functional and genetic evidence.

NC_000008.11:g.100233509G>C

Genes: SPAG1 (sperm associated antigen 1; plus strand), VPS13B (vacuolar protein sorting 13 homolog B; plus strand). Cytogenetic location: 8q22.2.
Variant type: single nucleotide variant.
Molecular consequence: missense variant (on NM_003114.5).
Genome position: GRCh38 VCF-style: chr8-100233509-G-C. GRCh37 (hg19) VCF-style: chr8-101245737-G-C.
Other names: c.2087G>C, p.Arg696Thr (NM_001374321.1, NM_003114.5, NM_172218.3); short protein forms R696T.
Identifiers: ClinVar variation 4989047 (VCV004989047.1).
Genomic context (GRCh38, chr8:100,233,509, plus strand): 5'-CAAAGCAGGACTGTGATCAGGCACTTCAGCTAGCTGATGGGAACGTGAAAGCCTTCTATA[G>C]ACGAGCTCTGGCTCATAAAGGACTCAAGGTGAGGAAATCTTCATTTTAATGCATAAACTT-3'